The following is an entry in ClinVar:

NM_000384.3(APOB):c.11354C>T (p.Thr3785Ile)

Gene: APOB (apolipoprotein B; minus strand). Cytogenetic location: 2p24.1.
Variant type: single nucleotide variant.
Coding change: c.11354C>T on transcript NM_000384.3 (MANE Select); coding-DNA position 11354, C replaced by T.
Protein change: p.Thr3785Ile; replaces threonine 3785 with isoleucine.
Molecular consequence: missense variant.
Genome position (GRCh38, 1-based): chr2:21,005,514, G>A on the plus strand (C>T on the coding strand, the complement: APOB is on the minus strand). VCF-style: chr2-21005514-G-A. GRCh37 (hg19) VCF-style: chr2-21228386-G-A.
Other names: short protein forms T3785I.
Identifiers: ClinVar variation 334101 (VCV000334101.62), dbSNP rs143710616, ClinGen allele CA046397.
Genomic context (GRCh38, chr2:21,005,514, plus strand): 5'-TCTTCTGGTTGAGAATATTTTGTTAACACATCAACTTCAGGGAATTTTACCTCGGGGAGT[G>A]TTGGTAGGTTGAGGGCAAATGATGAAGTTCTCAGCTTCTTATAGATTTGTATTTCTCTGA-3'
Protein context (NP_000375.3, residues 3775-3795): RTSSFALNLP[Thr3785Ile]LPEVKFPEVD

ClinVar aggregate classification (germline): Conflicting classifications of pathogenicity. Review status: criteria provided, conflicting classifications (1 of 4 stars). 10 submissions from 9 submitters: Uncertain significance (4); Likely benign (5). 1 of the submissions does not count toward it. Last evaluated 2026-01-31.

Conditions:
Familial hypobetalipoproteinemia 1. Also called: APOB-Related Familial Hypobetalipoproteinemia; Hypobetalipoproteinemia, normotriglyceridemic; Acanthocytosis with hypobetalipoproteinemia. Identifiers: MedGen C4551990, MONDO:0014252, OMIM 615558.
Hypercholesterolemia, familial, 1. Also called: LDL RECEPTOR DISORDER; Hyperlipoproteinemia Type IIa; HYPER-LOW-DENSITY-LIPOPROTEINEMIA; HYPERCHOLESTEROLEMIC XANTHOMATOSIS, FAMILIAL; Fredrickson type IIa hyperlipoproteinemia; Hyperlipoproteinemia type 2. Identifiers: Orphanet 391665, MedGen C0745103, MONDO:0007750, OMIM 143890.
Cardiovascular phenotype. Identifiers: MedGen CN230736.
Hypercholesterolemia, autosomal dominant, type B (FHCL2). Also called: Familial hypercholesterolemia 2; APOB-Related Familial Hypercholesterolemia, Autosomal Dominant; APOLIPOPROTEIN B-100, FAMILIAL DEFECTIVE; APOLIPOPROTEIN B-100, FAMILIAL LIGAND-DEFECTIVE; Familial Hypercholesterolemia Type B; HYPERCHOLESTEROLEMIA, FAMILIAL, DUE TO LIGAND-DEFECTIVE APOLIPOPROTEIN B. Identifiers: MedGen C1704417, MONDO:0007751, OMIM 144010.
APOB-related disorder. Also called: APOB-related disorders; APOB-related condition.

Allele frequency attached by ClinVar (database versions not stated): gnomAD 0.00019 and 0.00022; 1000 Genomes Project 0.00020; TOPMed 0.00022; 1000 Genomes Project 30x 0.00031; ESP Exome Variant Server 0.00038.
gnomAD v4.1: 578 of 1,614,014 alleles (0.036%); highest among the groups gnomAD compares: Middle Eastern, 0.25%; 2 homozygotes.

Submissions (10):

Labcorp Genetics (formerly Invitae), Labcorp
Classification: Likely benign for Familial hypobetalipoproteinemia 1; Hypercholesterolemia, autosomal dominant, type B. Last evaluated: 2026-01-31. Review status: criteria provided, single submitter. Criteria: Invitae Variant Classification Sherloc (09022015). Collection method: clinical testing. Allele origin: germline.

CeGaT Center for Human Genetics Tuebingen
Classification: Likely benign. Last evaluated: 2025-05-01. Review status: criteria provided, single submitter. Criteria: CeGaT Center For Human Genetics Tuebingen Variant Classification Criteria Version 2. Collection method: clinical testing. Allele origin: germline. Affected: yes. Observed: 6 variant alleles.
Comment: APOB: BP4, BS1

Quest Diagnostics Nichols Institute San Juan Capistrano
Classification: Likely benign. Last evaluated: 2025-03-17. Review status: criteria provided, single submitter. Criteria: Quest Diagnostics criteria. Collection method: clinical testing. Allele origin: unknown.

Blueprint Genetics
Classification: Uncertain significance. Last evaluated: 2024-11-20. Review status: criteria provided, single submitter. Criteria: ACMG Guidelines, 2015. Collection method: clinical testing. Allele origin: germline.

Ambry Genetics
Classification: Likely benign for Cardiovascular phenotype. Last evaluated: 2022-07-19. Review status: criteria provided, single submitter. Criteria: Ambry Variant Classification Scheme 2023. Collection method: clinical testing. Allele origin: germline.

GeneDx
Classification: Likely benign. Last evaluated: 2018-04-19. Review status: criteria provided, single submitter. Criteria: GeneDx Variant Classification (06012015). Collection method: clinical testing. Allele origin: germline. Affected: yes.
Comment: This variant is considered likely benign or benign based on one or more of the following criteria: it is a conservative change, it occurs at a poorly conserved position in the protein, it is predicted to be benign by multiple in silico algorithms, and/or has population frequency not consistent with disease.

Illumina Laboratory Services, Illumina
Classification: Uncertain significance for Familial hypobetalipoproteinemia 1. Last evaluated: 2018-01-13. Review status: criteria provided, single submitter. Criteria: ICSL Variant Classification Criteria 13 December 2019. Collection method: clinical testing. Allele origin: germline.

Illumina Laboratory Services, Illumina
Classification: Uncertain significance for Hypercholesterolemia, autosomal dominant, type B. Last evaluated: 2018-01-13. Review status: criteria provided, single submitter. Criteria: ICSL Variant Classification Criteria 13 December 2019. Collection method: clinical testing. Allele origin: germline.

Iberoamerican FH Network
Classification: Uncertain significance for Familial hypercholesterolemia. Last evaluated: 2016-03-01. Review status: criteria provided, single submitter. Criteria: ACMG Guidelines, 2015. Collection method: research. Allele origin: germline.
Comment: Variant present in the database from Uruguay

PreventionGenetics, part of Exact Sciences
Classification: Likely benign for APOB-related condition. Last evaluated: 2021-03-25. Review status: no assertion criteria provided. Collection method: clinical testing. Allele origin: germline. Not counted in ClinVar's aggregate classification.
Comment: This variant is classified as likely benign based on ACMG/AMP sequence variant interpretation guidelines (Richards et al. 2015 PMID: 25741868, with internal and published modifications).

Literature cited by the submitters: PubMed 34297352 (cited by Quest Diagnostics Nichols Institute San Juan Capistrano and Ambry Genetics); PubMed 28958330 (cited by Quest Diagnostics Nichols Institute San Juan Capistrano and Ambry Genetics); PubMed 39355526 (cited by Quest Diagnostics Nichols Institute San Juan Capistrano).